The following is an entry in ClinVar:

NM_006904.7(PRKDC):c.1742T>G (p.Leu581Arg)

Gene: PRKDC (protein kinase, DNA-activated, catalytic subunit; minus strand). Cytogenetic location: 8q11.21.
Variant type: single nucleotide variant.
Coding change: c.1742T>G on transcript NM_006904.7 (MANE Select); coding-DNA position 1742, T replaced by G.
Protein change: p.Leu581Arg; replaces leucine 581 with arginine.
Molecular consequence: missense variant.
Genome position (GRCh38, 1-based): chr8:47,933,054, A>C on the plus strand (T>G on the coding strand, the complement: PRKDC is on the minus strand). VCF-style: chr8-47933054-A-C. GRCh37 (hg19) VCF-style: chr8-48845614-A-C.
Other names: c.1742T>G, p.Leu581Arg (NM_001081640.2); short protein forms L581R.
Identifiers: ClinVar variation 3310179 (VCV003310179.1).
Genomic context (GRCh38, chr8:47,933,054, plus strand): 5'-AATTACTACTGATAAAAATTTCTAACCTCTTGTTCCCCAACAGTCTGTATTTCAAGTGTA[A>C]GATCCAATTTCTCAACAATCTTCAAAACGGATTTTACAAATTCATCATAAAGTAAATGAT-3'
Protein context (NP_008835.5, residues 571-591): SVLKIVEKLD[Leu581Arg]TLEIQTVGEQ

ClinVar aggregate classification (germline): Uncertain significance (1 of 4 stars; one submission).

Submission:

Ambry Genetics
Classification: Uncertain significance. Last evaluated: 2024-06-09. Review status: criteria provided, single submitter. Criteria: Ambry Variant Classification Scheme 2023. Collection method: clinical testing. Allele origin: germline.
Comment: The p.L581R variant (also known as c.1742T>G), located in coding exon 16 of the PRKDC gene, results from a T to G substitution at nucleotide position 1742. The leucine at codon 581 is replaced by arginine, an amino acid with dissimilar properties. This amino acid position is conserved. In addition, this alteration is predicted to be deleterious by in silico analysis. Based on the available evidence, the clinical significance of this variant remains unclear.